The following is an entry in ClinVar:

ClinVar aggregate classification (germline): Uncertain significance. Review status: criteria provided, multiple submitters, no conflicts (2 of 4 stars). 2 submissions from 2 submitters: Uncertain significance (2). Last evaluated 2025-07-28.

Conditions:
Hereditary cancer-predisposing syndrome. Also called: Tumor predisposition; Neoplastic Syndromes, Hereditary; Hereditary neoplastic syndrome; Hereditary Cancer Syndrome. Identifiers: Orphanet 140162, MedGen C0027672, MeSH D009386, MONDO:0015356.

Submissions (2):

Ambry Genetics
Classification: Uncertain significance for Hereditary cancer-predisposing syndrome. Last evaluated: 2025-07-28. Review status: criteria provided, single submitter. Criteria: Ambry Variant Classification Scheme 2023. Collection method: clinical testing. Allele origin: germline.
Comment: The p.I1585V variant (also known as c.4753A>G), located in coding exon 37 of the POLE gene, results from an A to G substitution at nucleotide position 4753. The isoleucine at codon 1585 is replaced by valine, an amino acid with highly similar properties. This amino acid position is conserved. In addition, this alteration is predicted to be tolerated by in silico analysis. Based on the available evidence, the clinical significance of this variant remains unclear.

Labcorp Genetics (formerly Invitae), Labcorp
Classification: Uncertain significance. Last evaluated: 2024-07-05. Review status: criteria provided, single submitter. Criteria: Invitae Variant Classification Sherloc (09022015). Collection method: clinical testing. Allele origin: germline.
Comment: This sequence change replaces isoleucine, which is neutral and non-polar, with valine, which is neutral and non-polar, at codon 1585 of the POLE protein (p.Ile1585Val). This variant is not present in population databases (gnomAD no frequency). This variant has not been reported in the literature in individuals affected with POLE-related conditions. ClinVar contains an entry for this variant (Variation ID: 850415). Advanced modeling of protein sequence and biophysical properties (such as structural, functional, and spatial information, amino acid conservation, physicochemical variation, residue mobility, and thermodynamic stability) performed at Invitae indicates that this missense variant is not expected to disrupt POLE protein function with a negative predictive value of 80%. In summary, the available evidence is currently insufficient to determine the role of this variant in disease. Therefore, it has been classified as a Variant of Uncertain Significance.

NM_006231.4(POLE):c.4753A>G (p.Ile1585Val)

Gene: POLE (DNA polymerase epsilon, catalytic subunit; minus strand). Cytogenetic location: 12q24.33.
Variant type: single nucleotide variant.
Coding change: c.4753A>G on transcript NM_006231.4 (MANE Select); coding-DNA position 4753, A replaced by G.
Protein change: p.Ile1585Val; replaces isoleucine 1585 with valine.
Molecular consequence: missense variant.
Genome position (GRCh38, 1-based): chr12:132,642,705, T>C on the plus strand (A>G on the coding strand, the complement: POLE is on the minus strand). VCF-style: chr12-132642705-T-C. GRCh37 (hg19) VCF-style: chr12-133219291-T-C.
Other names: c.4753A>G (NM_006231.2); short protein forms I1585V.
Identifiers: ClinVar variation 850415 (VCV000850415.10), dbSNP rs2042176761, ClinGen allele CA387378506.